The following is an entry in ClinVar:

NM_006509.4(RELB):c.1002A>T (p.Ser334=)

Gene: RELB (RELB proto-oncogene, NF-kB subunit; plus strand). Cytogenetic location: 19q13.32.
Variant type: single nucleotide variant.
Coding change: c.1002A>T on transcript NM_006509.4 (MANE Select); coding-DNA position 1002, A replaced by T.
Protein change: p.Ser334=; no amino-acid change (serine 334 retained).
Molecular consequence: synonymous variant.
Genome position (GRCh38, 1-based): chr19:45,032,544, A>T. VCF-style: chr19-45032544-A-T. GRCh37 (hg19) VCF-style: chr19-45535802-A-T.
Other names: c.993A>T, p.Ser331= (NM_001411087.1).
Identifiers: ClinVar variation 4726576 (VCV004726576.1).

ClinVar aggregate classification (germline): Uncertain significance (1 of 4 stars; one submission).

Submission:

Labcorp Genetics (formerly Invitae), Labcorp
Classification: Uncertain significance. Last evaluated: 2025-09-03. Review status: criteria provided, single submitter. Criteria: Invitae Variant Classification Sherloc (09022015). Collection method: clinical testing. Allele origin: germline.
Comment: This sequence change affects codon 334 of the RELB mRNA. It is a 'silent' change, meaning that it does not change the encoded amino acid sequence of the RELB protein. This variant is not present in population databases (gnomAD no frequency). This variant has not been reported in the literature in individuals affected with RELB-related conditions. Algorithms developed to predict the effect of sequence changes on RNA splicing suggest that this variant may create or strengthen a splice site. In summary, the available evidence is currently insufficient to determine the role of this variant in disease. Therefore, it has been classified as a Variant of Uncertain Significance.